The following is an entry in ClinVar:

NM_004995.4(MMP14):c.26G>A (p.Arg9His)

Gene: MMP14 (matrix metallopeptidase 14; plus strand). Cytogenetic location: 14q11.2.
Variant type: single nucleotide variant.
Coding change: c.26G>A on transcript NM_004995.4 (MANE Select); coding-DNA position 26, G replaced by A.
Protein change: p.Arg9His; replaces arginine 9 with histidine.
Molecular consequence: missense variant.
Genome position (GRCh38, 1-based): chr14:22,836,843, G>A. VCF-style: chr14-22836843-G-A. GRCh37 (hg19) VCF-style: chr14-23306052-G-A.
Other names: short protein forms R9H.
Identifiers: ClinVar variation 2111040 (VCV002111040.4), dbSNP rs2502055629, ClinGen allele CA388927741.

ClinVar aggregate classification (germline): Uncertain significance (1 of 4 stars; one submission).

Submission:

Labcorp Genetics (formerly Invitae), Labcorp
Classification: Uncertain significance. Last evaluated: 2022-03-13. Review status: criteria provided, single submitter. Criteria: Invitae Variant Classification Sherloc (09022015). Collection method: clinical testing. Allele origin: germline.
Comment: In summary, the available evidence is currently insufficient to determine the role of this variant in disease. Therefore, it has been classified as a Variant of Uncertain Significance. This sequence change replaces arginine, which is basic and polar, with histidine, which is basic and polar, at codon 9 of the MMP14 protein (p.Arg9His). This variant is not present in population databases (gnomAD no frequency). This variant has not been reported in the literature in individuals affected with MMP14-related conditions. Algorithms developed to predict the effect of missense changes on protein structure and function are either unavailable or do not agree on the potential impact of this missense change (SIFT: "Tolerated"; PolyPhen-2: "Not Available"; Align-GVGD: "Class C0").